The following is an entry in ClinVar:

NM_001041.4(SI):c.4784C>T (p.Thr1595Ile)

Gene: SI (sucrase-isomaltase; minus strand). Cytogenetic location: 3q26.1.
Variant type: single nucleotide variant.
Coding change: c.4784C>T on transcript NM_001041.4 (MANE Select); coding-DNA position 4784, C replaced by T.
Protein change: p.Thr1595Ile; replaces threonine 1595 with isoleucine.
Molecular consequence: missense variant.
Genome position (GRCh38, 1-based): chr3:164,994,314, G>A on the plus strand (C>T on the coding strand, the complement: SI is on the minus strand). VCF-style: chr3-164994314-G-A. GRCh37 (hg19) VCF-style: chr3-164712102-G-A.
Other names: short protein forms T1595I.
Identifiers: ClinVar variation 1414537 (VCV001414537.6), dbSNP rs780262949, ClinGen allele CA355028947.

ClinVar aggregate classification (germline): Uncertain significance (1 of 4 stars; one submission).

Submission:

Labcorp Genetics (formerly Invitae), Labcorp
Classification: Uncertain significance. Last evaluated: 2022-11-01. Review status: criteria provided, single submitter. Criteria: Invitae Variant Classification Sherloc (09022015). Collection method: clinical testing. Allele origin: germline.
Comment: In summary, the available evidence is currently insufficient to determine the role of this variant in disease. Therefore, it has been classified as a Variant of Uncertain Significance. Advanced modeling of protein sequence and biophysical properties (such as structural, functional, and spatial information, amino acid conservation, physicochemical variation, residue mobility, and thermodynamic stability) has been performed at Invitae for this missense variant, however the output from this modeling did not meet the statistical confidence thresholds required to predict the impact of this variant on SI protein function. ClinVar contains an entry for this variant (Variation ID: 1414537). This variant has not been reported in the literature in individuals affected with SI-related conditions. This variant is not present in population databases (gnomAD no frequency). This sequence change replaces threonine, which is neutral and polar, with isoleucine, which is neutral and non-polar, at codon 1595 of the SI protein (p.Thr1595Ile).